The following is an entry in ClinVar:

NM_012330.4(KAT6B):c.5667G>A (p.Met1889Ile)

Gene: KAT6B (lysine acetyltransferase 6B; plus strand). Cytogenetic location: 10q22.2.
Variant type: single nucleotide variant.
Coding change: c.5667G>A on transcript NM_012330.4 (MANE Select); coding-DNA position 5667, G replaced by A.
Protein change: p.Met1889Ile; replaces methionine 1889 with isoleucine.
Molecular consequence: missense variant.
Genome position (GRCh38, 1-based): chr10:75,030,491, G>A. VCF-style: chr10-75030491-G-A. GRCh37 (hg19) VCF-style: chr10-76790249-G-A.
Other names: c.4791G>A, p.Met1597Ile (NM_001370139.1, NM_001370140.1, NM_001370141.1 and 2 more transcripts); c.4602G>A, p.Met1534Ile (NM_001370143.1, NM_001370144.1); c.5118G>A, p.Met1706Ile (NM_001256468.2, NM_001370138.1); c.4629G>A, p.Met1543Ile (NM_001370132.1); c.3978G>A, p.Met1326Ile (NM_001370133.1); c.3582G>A, p.Met1194Ile (NM_001370134.1); c.3324G>A, p.Met1108Ile (NM_001370135.1); c.5667G>A, p.Met1889Ile (NM_001370136.1, NM_001370137.1); short protein forms M1194I, M1543I, M1534I, M1889I, M1326I, M1597I, M1108I, M1706I.
Identifiers: ClinVar variation 3706066 (VCV003706066.2).

ClinVar aggregate classification (germline): Uncertain significance (1 of 4 stars; one submission).

Conditions:
Genitopatellar syndrome (GTPTS). Also called: ABSENT PATELLAE, SCROTAL HYPOPLASIA, RENAL ANOMALIES, FACIAL DYSMORPHISM, AND MENTAL RETARDATION; Genitopatellar syndrome (GPS). Identifiers: Orphanet 85201, MedGen C1853566, MONDO:0011640, OMIM 606170.

Submission:

Labcorp Genetics (formerly Invitae), Labcorp
Classification: Uncertain significance for Genitopatellar syndrome. Last evaluated: 2024-09-05. Review status: criteria provided, single submitter. Criteria: Invitae Variant Classification Sherloc (09022015). Collection method: clinical testing. Allele origin: germline.
Comment: This sequence change replaces methionine, which is neutral and non-polar, with isoleucine, which is neutral and non-polar, at codon 1889 of the KAT6B protein (p.Met1889Ile). This variant is not present in population databases (gnomAD no frequency). This variant has not been reported in the literature in individuals affected with KAT6B-related conditions. An algorithm developed to predict the effect of missense changes on protein structure and function (PolyPhen-2) suggests that this variant is likely to be disruptive. In summary, the available evidence is currently insufficient to determine the role of this variant in disease. Therefore, it has been classified as a Variant of Uncertain Significance.